The following is an entry in ClinVar:

NM_001243133.2(NLRP3):c.2620T>A (p.Cys874Ser)

Gene: NLRP3 (NLR family pyrin domain containing 3; plus strand). Cytogenetic location: 1q44.
Variant type: single nucleotide variant.
Coding change: c.2620T>A on transcript NM_001243133.2 (MANE Select); coding-DNA position 2620, T replaced by A.
Protein change: p.Cys874Ser; replaces cysteine 874 with serine.
Molecular consequence: missense variant. On other transcripts: intron variant (2).
Genome position (GRCh38, 1-based): chr1:247,436,097, T>A. VCF-style: chr1-247436097-T-A. GRCh37 (hg19) VCF-style: chr1-247599399-T-A.
Other names: c.2620T>A, p.Cys874Ser (NM_001079821.3); c.2449T>A, p.Cys817Ser (NM_001127462.3); c.2626T>A, p.Cys876Ser (NM_004895.5); c.2492+1824T>A (NM_001127461.3); c.2321+1824T>A (NM_183395.3); short protein forms C817S, C874S, C876S.
Identifiers: ClinVar variation 4800151 (VCV004800151.1).

ClinVar aggregate classification (germline): Uncertain significance (1 of 4 stars; one submission).

Conditions:
Cryopyrin associated periodic syndrome (CAPS). Identifiers: Orphanet 208650, MedGen C2316212, MONDO:0016168.

Submission:

Labcorp Genetics (formerly Invitae), Labcorp
Classification: Uncertain significance for Cryopyrin associated periodic syndrome. Last evaluated: 2025-06-08. Review status: criteria provided, single submitter. Criteria: Invitae Variant Classification Sherloc (09022015). Collection method: clinical testing. Allele origin: germline.
Comment: This sequence change replaces cysteine, which is neutral and slightly polar, with serine, which is neutral and polar, at codon 876 of the NLRP3 protein (p.Cys876Ser). This variant is not present in population databases (gnomAD no frequency). This variant has not been reported in the literature in individuals affected with NLRP3-related conditions. Invitae Evidence Modeling of protein sequence and biophysical properties (such as structural, functional, and spatial information, amino acid conservation, physicochemical variation, residue mobility, and thermodynamic stability) has been performed for this missense variant. However, the output from this modeling did not meet the statistical confidence thresholds required to predict the impact of this variant on NLRP3 protein function. In summary, the available evidence is currently insufficient to determine the role of this variant in disease. Therefore, it has been classified as a Variant of Uncertain Significance.